The following is an entry in ClinVar:

NM_001267550.2(TTN):c.50642G>C (p.Gly16881Ala)

Genes: TTN-AS1 (TTN antisense RNA 1; plus strand), TTN (titin; minus strand). Cytogenetic location: 2q31.2.
Variant type: single nucleotide variant.
Coding change: c.50642G>C on transcript NM_001267550.2 (MANE Select); coding-DNA position 50642, G replaced by C.
Protein change: p.Gly16881Ala; replaces glycine 16881 with alanine.
Molecular consequence: missense variant.
Genome position (GRCh38, 1-based): chr2:178,611,587, C>G on the plus strand (G>C on the coding strand, the complement: TTN is on the minus strand). VCF-style: chr2-178611587-C-G. GRCh37 (hg19) VCF-style: chr2-179476314-C-G.
Other names: c.42938G>C, p.Gly14313Ala (NM_133378.4); c.45719G>C, p.Gly15240Ala (NM_001256850.1); c.23447G>C, p.Gly7816Ala (NM_003319.4); c.23822G>C, p.Gly7941Ala (NM_133432.3); c.24023G>C, p.Gly8008Ala (NM_133437.4); short protein forms G14313A, G16881A, G7816A, G8008A, G7941A, G15240A.
Identifiers: ClinVar variation 229448 (VCV000229448.21), dbSNP rs201302681, ClinGen allele CA1994330.

ClinVar aggregate classification (germline): Conflicting classifications of pathogenicity. Review status: criteria provided, conflicting classifications (1 of 4 stars). 5 submissions from 5 submitters: Uncertain significance (2); Likely benign (3). Last evaluated 2025-12-14.

Conditions:
Cardiovascular phenotype. Identifiers: MedGen CN230736.
Autosomal recessive limb-girdle muscular dystrophy type 2J (LGMDR10). Also called: Limb-girdle muscular dystrophy, type 2J; MUSCULAR DYSTROPHY, LIMB-GIRDLE, AUTOSOMAL RECESSIVE 10. Identifiers: Orphanet 140922, MedGen C1837342, MONDO:0012127, OMIM 608807.
Dilated cardiomyopathy 1G (CMD1G). Identifiers: Orphanet 154, MedGen C1858763, MONDO:0011400, OMIM 604145.

Allele frequency attached by ClinVar (database versions not stated): gnomAD 0.00001 and 0.00002; gnomAD exomes 0.00003 and 0.00019; TOPMed 0.00006; 1000 Genomes Project 30x 0.00016; ExAC 0.00017; 1000 Genomes Project 0.00020.
gnomAD v4.1: 53 of 1,613,032 alleles (0.0033%); highest among the groups gnomAD compares: East Asian, 0.12%; no homozygotes.

Submissions (5):

Labcorp Genetics (formerly Invitae), Labcorp
Classification: Likely benign for Dilated cardiomyopathy 1G; Autosomal recessive limb-girdle muscular dystrophy type 2J. Last evaluated: 2025-12-14. Review status: criteria provided, single submitter. Criteria: Invitae Variant Classification Sherloc (09022015). Collection method: clinical testing. Allele origin: germline.

Blueprint Genetics
Classification: Likely benign. Last evaluated: 2022-08-25. Review status: criteria provided, single submitter. Criteria: ACMG Guidelines, 2015. Collection method: clinical testing. Allele origin: germline.

GeneDx
Classification: Likely benign. Last evaluated: 2020-12-10. Review status: criteria provided, single submitter. Criteria: GeneDx Variant Classification Process June 2021. Collection method: clinical testing. Allele origin: germline. Affected: yes.

Laboratory for Molecular Medicine, Mass General Brigham Personalized Medicine
Classification: Uncertain significance. Last evaluated: 2015-03-18. Review status: criteria provided, single submitter. Criteria: LMM Criteria. Collection method: clinical testing. Allele origin: germline. Observed: 1 variant allele.
Comment: Variant classified as Uncertain Significance - Favor Benign. The p.Gly14313Ala v ariant in TTN has not been previously reported in individuals with cardiomyopath y, but has been identified in 0.2% (20/8446) of East Asian chromosomes by the Ex ome Aggregation Consortium (ExAC; dbSNP rs201302 681). Computational prediction tools and conservation analysis suggest that the p.Gly14313Ala variant may impact the protein, though this information is not pre dictive enough to determine pathogenicity. In summary, while the clinical signif icance of the p.Gly14313Ala variant is uncertain, its frequency suggests that it is more likely to be benign.

Ambry Genetics
Classification: Uncertain significance for Cardiovascular phenotype. Last evaluated: 2013-05-09. Review status: criteria provided, single submitter. Criteria: Ambry Autosomal Dominant and X-Linked criteria (10/2015). Collection method: clinical testing. Allele origin: germline. Observed: 1 variant allele.
Comment: There is insufficient or conflicting evidence for classification of this alteration.